The following is an entry in ClinVar:

NM_007294.4(BRCA1):c.2774T>G (p.Ile925Ser)

Gene: BRCA1 (BRCA1 DNA repair associated; minus strand). Cytogenetic location: 17q21.31.
Variant type: single nucleotide variant.
Coding change: c.2774T>G on transcript NM_007294.4 (MANE Select); coding-DNA position 2774, T replaced by G.
Protein change: p.Ile925Ser; replaces isoleucine 925 with serine.
Molecular consequence: missense variant. On other transcripts: intron variant (137).
Genome position (GRCh38, 1-based): chr17:43,092,757, A>C on the plus strand (T>G on the coding strand, the complement: BRCA1 is on the minus strand). VCF-style: chr17-43092757-A-C. GRCh37 (hg19) VCF-style: chr17-41244774-A-C.
Other names: c.2390T>G, p.Ile797Ser (NM_001407962.1); c.2393T>G, p.Ile798Ser (NM_001407963.1, NM_001407959.1, NM_001407960.1); c.2633T>G, p.Ile878Ser (NM_007297.4, NM_001407692.1, NM_001407694.1 and 29 more transcripts); c.2270T>G, p.Ile757Ser (NM_001407965.1); c.2630T>G, p.Ile877Ser (NM_001407964.1, NM_001407740.1, NM_001407741.1 and 20 more transcripts); c.1886T>G, p.Ile629Ser (NM_001407966.1, NM_001407967.1); c.2561T>G, p.Ile854Ser (NM_001407571.1, NM_001407853.1, NM_001407894.1 and 9 more transcripts); c.2774T>G, p.Ile925Ser (NM_001407581.1, NM_001407582.1, NM_001407583.1 and 30 more transcripts); and 41 more; short protein forms I629S, I798S, I883S, I898S, I757S, I836S, I878S, I899S.
Identifiers: ClinVar variation 2565342 (VCV002565342.5), dbSNP rs1567794296, ClinGen allele CA10596444.

ClinVar aggregate classification (germline): Uncertain significance. Review status: criteria provided, multiple submitters, no conflicts (2 of 4 stars). 2 submissions from 2 submitters: Uncertain significance (2). Last evaluated 2023-12-18.

Conditions:
Hereditary breast ovarian cancer syndrome. Also called: BRCA1- and BRCA2-Associated Hereditary Breast and Ovarian Cancer; Hereditary breast and ovarian cancer syndrome (HBOC); Hereditary breast and ovarian cancer syndrome; Breast and ovarian cancer; Hereditary breast and/or ovarian cancer syndrome; Hereditary breast and ovarian cancer. Identifiers: Orphanet 145, MedGen C0677776, MeSH D061325, MONDO:0003582. Disease mechanism: loss of function.
Hereditary cancer-predisposing syndrome. Also called: Neoplastic Syndromes, Hereditary; Hereditary Cancer Syndrome; Hereditary neoplastic syndrome; Tumor predisposition. Identifiers: Orphanet 140162, MedGen C0027672, MeSH D009386, MONDO:0015356.

Submissions (2):

Labcorp Genetics (formerly Invitae), Labcorp
Classification: Uncertain significance for Hereditary breast ovarian cancer syndrome. Last evaluated: 2023-12-18. Review status: criteria provided, single submitter. Criteria: Invitae Variant Classification Sherloc (09022015). Collection method: clinical testing. Allele origin: germline.
Comment: This sequence change replaces isoleucine, which is neutral and non-polar, with serine, which is neutral and polar, at codon 925 of the BRCA1 protein (p.Ile925Ser). This variant is not present in population databases (gnomAD no frequency). This variant has not been reported in the literature in individuals affected with BRCA1-related conditions. ClinVar contains an entry for this variant (Variation ID: 2565342). Advanced modeling of protein sequence and biophysical properties (such as structural, functional, and spatial information, amino acid conservation, physicochemical variation, residue mobility, and thermodynamic stability) performed at Invitae indicates that this missense variant is not expected to disrupt BRCA1 protein function with a negative predictive value of 95%. In summary, the available evidence is currently insufficient to determine the role of this variant in disease. Therefore, it has been classified as a Variant of Uncertain Significance.

Ambry Genetics
Classification: Uncertain significance for Hereditary cancer-predisposing syndrome. Last evaluated: 2023-04-27. Review status: criteria provided, single submitter. Criteria: Ambry Variant Classification Scheme 2023. Collection method: clinical testing. Allele origin: germline.
Comment: The p.I925S variant (also known as c.2774T>G), located in coding exon 9 of the BRCA1 gene, results from a T to G substitution at nucleotide position 2774. The isoleucine at codon 925 is replaced by serine, an amino acid with dissimilar properties. This amino acid position is conserved. In addition, this alteration is predicted to be tolerated by in silico analysis. Since supporting evidence is limited at this time, the clinical significance of this alteration remains unclear.